The following is an entry in ClinVar:

NM_002617.4(PEX10):c.605G>A (p.Arg202His)

Gene: PEX10 (peroxisomal biogenesis factor 10; minus strand). Cytogenetic location: 1p36.32.
Variant type: single nucleotide variant.
Coding change: c.605G>A on transcript NM_002617.4 (MANE Select); coding-DNA position 605, G replaced by A.
Protein change: p.Arg202His; replaces arginine 202 with histidine.
Molecular consequence: missense variant. On other transcripts: non-coding transcript variant (1).
Genome position (GRCh38, 1-based): chr1:2,406,891, C>T on the plus strand (G>A on the coding strand, the complement: PEX10 is on the minus strand). VCF-style: chr1-2406891-C-T. GRCh37 (hg19) VCF-style: chr1-2338330-C-T.
Other names: c.662G>A, p.Arg221His (NM_001374425.1); c.230G>A, p.Arg77His (NM_001374426.1); c.173G>A, p.Arg58His (NM_001374427.1); c.665G>A, p.Arg222His (NM_153818.2); short protein forms R222H, R202H, R221H, R58H, R77H.
Identifiers: ClinVar variation 498828 (VCV000498828.12), dbSNP rs371979619, ClinGen allele CA538091.

ClinVar aggregate classification (germline): Uncertain significance. Review status: criteria provided, multiple submitters, no conflicts (2 of 4 stars). 6 submissions from 6 submitters: Uncertain significance (5). 1 of the submissions does not count toward it. Last evaluated 2025-11-07.

Conditions:
Zellweger spectrum disorders (ZS). Also called: Zellweger syndrome; Zellweger Spectrum Disorder (ZSD); Zellweger Spectrum Disorder; Zellweger Spectrum. Identifiers: Orphanet 912, MedGen C0043459, MONDO:0019609.
PEX10-related disorder. Also called: PEX10-related condition.
Peroxisome biogenesis disorder, complementation group 7 (CG7). Also called: Peroxisome biogenesis disorder, complementation group B. Identifiers: MedGen C1864399.

Allele frequency attached by ClinVar (database versions not stated): gnomAD 0.00005 and 0.00006; gnomAD exomes 0.00007 and 0.00008; ESP Exome Variant Server 0.00008; TOPMed 0.00013; ExAC 0.00015.

Submissions (6):

PreventionGenetics, part of Exact Sciences
Classification: Uncertain significance for PEX10-related condition. Last evaluated: 2025-11-07. Review status: criteria provided, single submitter. Criteria: ACMG Guidelines, 2015. Collection method: clinical testing. Allele origin: germline.
Comment: The PEX10 c.665G>A variant is predicted to result in the amino acid substitution p.Arg222His. To our knowledge, this variant has not been reported in the literature. This variant is reported in 0.042% of alleles in individuals of Latino descent in gnomAD. At this time, the clinical significance of this variant is uncertain due to the absence of conclusive functional and genetic evidence.

Blueprint Genetics
Classification: Uncertain significance. Last evaluated: 2023-09-14. Review status: criteria provided, single submitter. Criteria: ACMG Guidelines, 2015. Collection method: clinical testing. Allele origin: germline.

Labcorp Genetics (formerly Invitae), Labcorp
Classification: Uncertain significance for Peroxisome biogenesis disorder, complementation group 7. Last evaluated: 2022-10-13. Review status: criteria provided, single submitter. Criteria: Invitae Variant Classification Sherloc (09022015). Collection method: clinical testing. Allele origin: germline.
Comment: This sequence change replaces arginine, which is basic and polar, with histidine, which is basic and polar, at codon 222 of the PEX10 protein (p.Arg222His). This variant is present in population databases (rs371979619, gnomAD 0.03%). This variant has not been reported in the literature in individuals affected with PEX10-related conditions. ClinVar contains an entry for this variant (Variation ID: 498828). Algorithms developed to predict the effect of missense changes on protein structure and function output the following: SIFT: "Tolerated"; PolyPhen-2: "Benign"; Align-GVGD: "Class C0". The histidine amino acid residue is found in multiple mammalian species, which suggests that this missense change does not adversely affect protein function. In summary, the available evidence is currently insufficient to determine the role of this variant in disease. Therefore, it has been classified as a Variant of Uncertain Significance.

GeneDx
Classification: Uncertain significance. Last evaluated: 2022-07-27. Review status: criteria provided, single submitter. Criteria: GeneDx Variant Classification Process June 2021. Collection method: clinical testing. Allele origin: germline. Affected: yes.
Comment: In silico analysis supports that this missense variant does not alter protein structure/function; Has not been previously published as pathogenic or benign to our knowledge

Eurofins Ntd Llc (ga)
Classification: Uncertain significance. Last evaluated: 2017-11-16. Review status: criteria provided, single submitter. Criteria: EGL Classification Definitions 2015. Collection method: clinical testing. Allele origin: germline. Observed: 2 variant alleles, 2 heterozygotes.

Natera, Inc.
Classification: Uncertain significance for Zellweger syndrome. Last evaluated: 2020-01-17. Review status: no assertion criteria provided. Collection method: clinical testing. Allele origin: germline. Not counted in ClinVar's aggregate classification.